The following is an entry in ClinVar:

ClinVar aggregate classification (germline): Uncertain significance (1 of 4 stars; one submission).

Allele frequency attached by ClinVar (database versions not stated): gnomAD exomes 0.00001; ExAC 0.00002; gnomAD 0.00002; TOPMed 0.00002.
gnomAD v4.1: 7 of 1,613,720 alleles (0.00043%); highest among the groups gnomAD compares: Admixed American, 0.012%; no homozygotes.

Submission:

GeneDx
Classification: Uncertain significance. Last evaluated: 2024-06-16. Review status: criteria provided, single submitter. Criteria: GeneDx Variant Classification Process June 2021. Collection method: clinical testing. Allele origin: germline.
Comment: Not observed at significant frequency in large population cohorts (gnomAD); Has not been previously published as pathogenic or benign to our knowledge; In silico analysis is inconclusive as to whether the variant alters gene splicing. In the absence of RNA/functional studies, the actual effect of this sequence change is unknown.

NM_003560.4(PLA2G6):c.2202+4A>G

Gene: PLA2G6 (phospholipase A2 group VI; minus strand). Cytogenetic location: 22q13.1.
Variant type: single nucleotide variant.
Coding change: c.2202+4A>G on transcript NM_003560.4 (MANE Select); 4 bases into the intron after coding-DNA position 2202, A replaced by G.
Molecular consequence: intron variant.
Genome position (GRCh38, 1-based): chr22:38,113,483, T>C on the plus strand (A>G on the coding strand, the complement: PLA2G6 is on the minus strand). VCF-style: chr22-38113483-T-C. GRCh37 (hg19) VCF-style: chr22-38509490-T-C.
Other names: c.1524+4A>G (NM_001349868.2); c.2040+4A>G (NM_001349866.2, NM_001199562.3, NM_001349865.2 and 1 more transcripts); c.1506+4A>G (NM_001349869.2); c.1668+4A>G (NM_001349867.2); c.2202+4A>G (NM_001349864.2).
Identifiers: ClinVar variation 1686693 (VCV001686693.3), dbSNP rs757339823, ClinGen allele CA10230589.